The following is an entry in ClinVar:

ClinVar aggregate classification (germline): Uncertain significance (1 of 4 stars; one submission).

Conditions:
Progressive myoclonic epilepsy type 3. Also called: EPILEPSY, PROGRESSIVE MYOCLONIC, 3, WITHOUT INTRACELLULAR INCLUSIONS; EPILEPSY, PROGRESSIVE MYOCLONIC, 3, WITH OR WITHOUT INTRACELLULAR INCLUSIONS; CEROID LIPOFUSCINOSIS, NEURONAL, 14; KCTD7-Related Progressive Myoclonic Epilepsy. Identifiers: Orphanet 263516, MedGen C2673257, MONDO:0012721, OMIM 611726.

Submission:

Labcorp Genetics (formerly Invitae), Labcorp
Classification: Uncertain significance for Progressive myoclonic epilepsy type 3. Last evaluated: 2021-08-27. Review status: criteria provided, single submitter. Criteria: Invitae Variant Classification Sherloc (09022015). Collection method: clinical testing. Allele origin: germline.
Comment: This variant is not present in population databases (ExAC no frequency). This sequence change replaces isoleucine with asparagine at codon 286 of the KCTD7 protein (p.Ile286Asn). The isoleucine residue is highly conserved and there is a large physicochemical difference between isoleucine and asparagine. This variant has not been reported in the literature in individuals affected with KCTD7-related conditions. In summary, the available evidence is currently insufficient to determine the role of this variant in disease. Therefore, it has been classified as a Variant of Uncertain Significance. Algorithms developed to predict the effect of missense changes on protein structure and function (SIFT, PolyPhen-2, Align-GVGD) all suggest that this variant is likely to be disruptive.

NM_153033.5(KCTD7):c.857T>A (p.Ile286Asn)

Gene: KCTD7 (potassium channel tetramerization domain containing 7; plus strand). Cytogenetic location: 7q11.21.
Variant type: single nucleotide variant.
Coding change: c.857T>A on transcript NM_153033.5 (MANE Select); coding-DNA position 857, T replaced by A.
Protein change: p.Ile286Asn; replaces isoleucine 286 with asparagine.
Molecular consequence: missense variant.
Genome position (GRCh38, 1-based): chr7:66,639,219, T>A. VCF-style: chr7-66639219-T-A. GRCh37 (hg19) VCF-style: chr7-66104206-T-A.
Other names: c.857T>A, p.Ile286Asn (NM_001167961.2); short protein forms I286N.
Identifiers: ClinVar variation 1378073 (VCV001378073.6), dbSNP rs2116775902, ClinGen allele CA367697748.